The following is an entry in ClinVar:

ClinVar aggregate classification (germline): Uncertain significance. Review status: criteria provided, multiple submitters, no conflicts (2 of 4 stars). 2 submissions from 2 submitters: Uncertain significance (2). Last evaluated 2024-03-08.

Conditions:
Autosomal recessive polycystic kidney disease (ARPKD). Also called: AR polycystic kidney disease. Identifiers: Orphanet 731, Orphanet 8378, MedGen C0085548, MeSH D017044, MONDO:0009889.
Polycystic kidney disease 4 (PKD4). Also called: Autosomal Recessive Polycystic Kidney Disease – PKHD1; POLYCYSTIC KIDNEY AND HEPATIC DISEASE 1; POLYCYSTIC KIDNEY DISEASE, INFANTILE, TYPE I; POLYCYSTIC KIDNEY DISEASE 4 WITH OR WITHOUT POLYCYSTIC LIVER DISEASE; PKD3. Identifiers: MedGen C4540575, MONDO:0033004, OMIM 263200.

Allele frequency attached by ClinVar (database versions not stated): gnomAD 0.00004.
gnomAD v4.1: 51 of 1,612,944 alleles (0.0032%); highest among the groups gnomAD compares: Non-Finnish European, 0.0042%; no homozygotes.

Submissions (2):

Fulgent Genetics
Classification: Uncertain significance for Polycystic kidney disease 4. Last evaluated: 2024-03-08. Review status: criteria provided, single submitter. Criteria: ACMG Guidelines, 2015. Collection method: clinical testing. Allele origin: germline.

Labcorp Genetics (formerly Invitae), Labcorp
Classification: Uncertain significance for Autosomal recessive polycystic kidney disease. Last evaluated: 2023-10-13. Review status: criteria provided, single submitter. Criteria: Invitae Variant Classification Sherloc (09022015). Collection method: clinical testing. Allele origin: germline.
Comment: This sequence change replaces arginine, which is basic and polar, with proline, which is neutral and non-polar, at codon 2558 of the PKHD1 protein (p.Arg2558Pro). This variant is present in population databases (rs369677008, gnomAD 0.004%). This variant has not been reported in the literature in individuals affected with PKHD1-related conditions. Advanced modeling of protein sequence and biophysical properties (such as structural, functional, and spatial information, amino acid conservation, physicochemical variation, residue mobility, and thermodynamic stability) performed at Invitae indicates that this missense variant is not expected to disrupt PKHD1 protein function. In summary, the available evidence is currently insufficient to determine the role of this variant in disease. Therefore, it has been classified as a Variant of Uncertain Significance.

NM_138694.4(PKHD1):c.7673G>C (p.Arg2558Pro)

Gene: PKHD1 (PKHD1 ciliary IPT domain containing fibrocystin/polyductin; minus strand). Cytogenetic location: 6p12.2.
Variant type: single nucleotide variant.
Coding change: c.7673G>C on transcript NM_138694.4 (MANE Select); coding-DNA position 7673, G replaced by C.
Protein change: p.Arg2558Pro; replaces arginine 2558 with proline.
Molecular consequence: missense variant.
Genome position (GRCh38, 1-based): chr6:51,867,923, C>G on the plus strand (G>C on the coding strand, the complement: PKHD1 is on the minus strand). VCF-style: chr6-51867923-C-G. GRCh37 (hg19) VCF-style: chr6-51732721-C-G.
Other names: c.7673G>C, p.Arg2558Pro (NM_170724.3); short protein forms R2558P.
Identifiers: ClinVar variation 2729209 (VCV002729209.3), dbSNP rs369677008, ClinGen allele CA3851876.